The following is an entry in ClinVar:

ClinVar aggregate classification (germline): Uncertain significance (1 of 4 stars; one submission).

Submission:

Labcorp Genetics (formerly Invitae), Labcorp
Classification: Uncertain significance. Last evaluated: 2024-02-17. Review status: criteria provided, single submitter. Criteria: Invitae Variant Classification Sherloc (09022015). Collection method: clinical testing. Allele origin: germline.
Comment: This sequence change replaces lysine, which is basic and polar, with asparagine, which is neutral and polar, at codon 515 of the DIAPH3 protein (p.Lys515Asn). This variant is not present in population databases (gnomAD no frequency). This variant has not been reported in the literature in individuals affected with DIAPH3-related conditions. ClinVar contains an entry for this variant (Variation ID: 1374498). An algorithm developed to predict the effect of missense changes on protein structure and function (PolyPhen-2) suggests that this variant is likely to be disruptive. In summary, the available evidence is currently insufficient to determine the role of this variant in disease. Therefore, it has been classified as a Variant of Uncertain Significance.

NM_001042517.2(DIAPH3):c.1545A>C (p.Lys515Asn)

Gene: DIAPH3 (diaphanous related formin 3; minus strand). Cytogenetic location: 13q21.2.
Variant type: single nucleotide variant.
Coding change: c.1545A>C on transcript NM_001042517.2 (MANE Select); coding-DNA position 1545, A replaced by C.
Protein change: p.Lys515Asn; replaces lysine 515 with asparagine.
Molecular consequence: missense variant.
Genome position (GRCh38, 1-based): chr13:59,980,795, T>G on the plus strand (A>C on the coding strand, the complement: DIAPH3 is on the minus strand). VCF-style: chr13-59980795-T-G. GRCh37 (hg19) VCF-style: chr13-60554929-T-G.
Other names: c.1512A>C, p.Lys504Asn (NM_001258366.2); c.1407A>C, p.Lys469Asn (NM_001258367.2); c.1335A>C, p.Lys445Asn (NM_001258368.2); c.1545A>C, p.Lys515Asn (NM_001258369.2); c.756A>C, p.Lys252Asn (NM_001258370.2, NM_030932.4); short protein forms K469N, K504N, K515N, K252N, K445N.
Identifiers: ClinVar variation 1374498 (VCV001374498.6), dbSNP rs2140684263, ClinGen allele CA388332837.